The following is an entry in ClinVar:

ClinVar aggregate classification (germline): Uncertain significance. Review status: criteria provided, multiple submitters, no conflicts (2 of 4 stars). 2 submissions from 2 submitters: Uncertain significance (2). Last evaluated 2022-09-13.

Conditions:
Joubert syndrome. Also called: JOUBERT-BOLTSHAUSER SYNDROME; Familial aplasia of the vermis. Identifiers: Orphanet 475, MedGen C5979921, MONDO:0018772.
Meckel-Gruber syndrome. Also called: DYSENCEPHALIA SPLANCHNOCYSTICA; GRUBER SYNDROME; Dysencephalia splachnocystica. Identifiers: Orphanet 564, MedGen C0265215, MONDO:0018921.

gnomAD v4.1: 5 of 1,613,526 alleles (0.00031%); highest among the groups gnomAD compares: African/African-American, 0.004%; no homozygotes.

Submissions (2):

Labcorp Genetics (formerly Invitae), Labcorp
Classification: Uncertain significance for Joubert syndrome; Meckel-Gruber syndrome. Last evaluated: 2022-09-13. Review status: criteria provided, single submitter. Criteria: Invitae Variant Classification Sherloc (09022015). Collection method: clinical testing. Allele origin: germline.
Comment: This sequence change replaces isoleucine, which is neutral and non-polar, with valine, which is neutral and non-polar, at codon 678 of the RPGRIP1L protein (p.Ile678Val). This variant is present in population databases (no rsID available, gnomAD 0.01%). This variant has not been reported in the literature in individuals affected with RPGRIP1L-related conditions. Advanced modeling of protein sequence and biophysical properties (such as structural, functional, and spatial information, amino acid conservation, physicochemical variation, residue mobility, and thermodynamic stability) performed at Invitae indicates that this missense variant is not expected to disrupt RPGRIP1L protein function. In summary, the available evidence is currently insufficient to determine the role of this variant in disease. Therefore, it has been classified as a Variant of Uncertain Significance.

Blueprint Genetics
Classification: Uncertain significance. Last evaluated: 2019-01-13. Review status: criteria provided, single submitter. Criteria: ACMG Guidelines, 2015. Collection method: clinical testing. Allele origin: germline.

NM_015272.5(RPGRIP1L):c.2032A>G (p.Ile678Val)

Gene: RPGRIP1L (RPGRIP1 like; minus strand). Cytogenetic location: 16q12.2.
Variant type: single nucleotide variant.
Coding change: c.2032A>G on transcript NM_015272.5 (MANE Select); coding-DNA position 2032, A replaced by G.
Protein change: p.Ile678Val; replaces isoleucine 678 with valine.
Molecular consequence: missense variant.
Genome position (GRCh38, 1-based): chr16:53,652,655, T>C on the plus strand (A>G on the coding strand, the complement: RPGRIP1L is on the minus strand). VCF-style: chr16-53652655-T-C. GRCh37 (hg19) VCF-style: chr16-53686567-T-C.
Other names: c.2032A>G, p.Ile678Val (NM_001127897.4, NM_001308334.3, NM_001330538.2); short protein forms I678V.
Identifiers: ClinVar variation 1913331 (VCV001913331.3), dbSNP rs958116016, ClinGen allele CA395916797.